The following is an entry in ClinVar:

ClinVar aggregate classification (germline): Uncertain significance (1 of 4 stars; one submission).

Submission:

Labcorp Genetics (formerly Invitae), Labcorp
Classification: Uncertain significance. Last evaluated: 2024-12-23. Review status: criteria provided, single submitter. Criteria: Invitae Variant Classification Sherloc (09022015). Collection method: clinical testing. Allele origin: germline.
Comment: This sequence change replaces isoleucine, which is neutral and non-polar, with valine, which is neutral and non-polar, at codon 1704 of the ALPK3 protein (p.Ile1704Val). This variant is not present in population databases (gnomAD no frequency). This variant has not been reported in the literature in individuals affected with ALPK3-related conditions. Invitae Evidence Modeling of protein sequence and biophysical properties (such as structural, functional, and spatial information, amino acid conservation, physicochemical variation, residue mobility, and thermodynamic stability) indicates that this missense variant is not expected to disrupt ALPK3 protein function with a negative predictive value of 80%. In summary, the available evidence is currently insufficient to determine the role of this variant in disease. Therefore, it has been classified as a Variant of Uncertain Significance.

NM_020778.5(ALPK3):c.4504A>G (p.Ile1502Val)

Gene: ALPK3 (alpha kinase 3; plus strand). Cytogenetic location: 15q25.3.
Variant type: single nucleotide variant.
Coding change: c.4504A>G on transcript NM_020778.5 (MANE Select); coding-DNA position 4504, A replaced by G.
Protein change: p.Ile1502Val; replaces isoleucine 1502 with valine.
Molecular consequence: missense variant.
Genome position (GRCh38, 1-based): chr15:84,864,446, A>G. VCF-style: chr15-84864446-A-G. GRCh37 (hg19) VCF-style: chr15-85407677-A-G.
Other names: short protein forms I1502V.
Identifiers: ClinVar variation 3665244 (VCV003665244.2).
Genomic context (GRCh38, chr15:84,864,446, plus strand): 5'-GGGAGGAGCTCTCTGGGCCATACTTCCTGCTTACTGCAGGGTGAAACTATGTTTAGGATC[A>G]TCCCACTGTATCTGATCTACCGGCCTGCAAACAATATCCCATATGCTACCCTGGAGGAAG-3'
Protein context (NP_065829.4, residues 1492-1512): APGFGEVPEI[Ile1502Val]PLYLIYRPAN